The following is an entry in ClinVar:

NC_000023.11:g.(?_31836698)_(31932247_?)del

Genes: DMD (dystrophin; minus strand), LOC129391296 (MPRA-validated peak7373 silencer; plus strand). Cytogenetic location: Xp21.1.
Variant type: Deletion.
Identifiers: ClinVar variation 526161 (VCV000526161.3).

ClinVar aggregate classification (germline): Pathogenic (1 of 4 stars; one submission).

Conditions:
Duchenne muscular dystrophy (DMD). Also called: Duchenne Muscular Dystrophy (DMD); MUSCULAR DYSTROPHY, PSEUDOHYPERTROPHIC PROGRESSIVE, DUCHENNE TYPE. Identifiers: Orphanet 98896, MedGen C0013264, MONDO:0010679, OMIM 310200.

Submission:

Labcorp Genetics (formerly Invitae), Labcorp
Classification: Pathogenic for Duchenne muscular dystrophy. Last evaluated: 2024-01-08. Review status: criteria provided, single submitter. Criteria: Invitae Variant Classification Sherloc (09022015). Collection method: clinical testing. Allele origin: germline.
Comment: This variant is a gross deletion of the genomic region encompassing exon(s) 46-49 of the DMD gene. This deletion is out-of-frame, and is expected to create a premature termination codon and result in an absent or disrupted protein product. Loss-of-function variants in DMD are known to be pathogenic (PMID: 16770791, 25007885). A similar copy number variant has been observed in individuals with Duchenne or Becker muscular dystrophy (PMID: 9007319, 10541573, 18445268). For these reasons, this variant has been classified as Pathogenic.

Literature cited by the submitters: PubMed 16770791; PubMed 25007885; PubMed 9007319; PubMed 10541573; PubMed 18445268.